The following is an entry in ClinVar:

ClinVar aggregate classification (germline): Likely pathogenic (1 of 4 stars; one submission).

Conditions:
Early-infantile DEE. Also called: Ohtahara syndrome; Early infantile epileptic encephalopathy with suppression bursts; Early infantile epileptic encephalopathy. Identifiers: Orphanet 1934, MedGen C0393706, MONDO:0800491.

Submission:

Labcorp Genetics (formerly Invitae), Labcorp
Classification: Likely pathogenic for Early-infantile DEE. Last evaluated: 2023-01-30. Review status: criteria provided, single submitter. Criteria: Invitae Variant Classification Sherloc (09022015). Collection method: clinical testing. Allele origin: germline.
Comment: This variant, c.519_521del, results in the deletion of 1 amino acid(s) of the KCNQ2 protein (p.Ile173del), but otherwise preserves the integrity of the reading frame. This variant is not present in population databases (gnomAD no frequency). This variant has been observed in individual(s) with clinical features of epileptic encephalopathy (Invitae). In at least one individual the variant was observed to be de novo. In summary, the currently available evidence indicates that the variant is pathogenic, but additional data are needed to prove that conclusively. Therefore, this variant has been classified as Likely Pathogenic.

NM_172107.4(KCNQ2):c.516CAT[1] (p.Ile173del)

Gene: KCNQ2 (potassium voltage-gated channel subfamily Q member 2; minus strand). Cytogenetic location: 20q13.33.
Variant type: Microsatellite.
Coding change: c.516CAT[1] on transcript NM_172107.4 (MANE Select); one copy of the 3-base unit CAT starting at c.516; the reference has two copies in a row; one copy, 3 bases deleted.
Protein change: p.Ile173del; deletes isoleucine 173.
Molecular consequence: inframe deletion.
Genome position (GRCh38, 1-based): chr20:63,444,828-63,444,830, ATG deleted on the plus strand (CAT on the coding strand, the reverse complement: KCNQ2 is on the minus strand); deleting any 3 consecutive bases within chr20:63,444,828-63,444,833 gives the same sequence; the position shown is the placement nearest the transcript's 3' end. VCF-style (leftmost placement, unchanged base first): chr20-63444827-CATG-C. GRCh37 (hg19) VCF-style: chr20-62076180-CATG-C.
Other names: c.516CAT[1], p.Ile173del (NM_001382235.1, NM_004518.6, NM_172106.3 and 2 more transcripts); short protein forms I173del.
Identifiers: ClinVar variation 2022701 (VCV002022701.4), dbSNP rs2516505136, ClinGen allele CA2580616360.